The following is an entry in ClinVar:

NM_001022.4(RPS19):c.101del (p.Val34fs)

Genes: RPS19-CD79A (RPS19-CD79A readthrough; plus strand), RPS19 (ribosomal protein S19; plus strand). Cytogenetic location: 19q13.2.
Variant type: Deletion.
Coding change: c.101del on transcript NM_001022.4 (MANE Select); coding-DNA position 101, one base deleted (T; older notation c.101delT).
Protein change: p.Val34fs; shifts the reading frame from valine 34.
Molecular consequence: frameshift variant.
Genome position (GRCh38, 1-based): chr19:41,861,141, T deleted. VCF-style (leftmost placement, unchanged base first): chr19-41861140-GT-G. GRCh37 (hg19) VCF-style: chr19-42365209-GT-G.
Other names: c.101del, p.Val34fs (NM_001321483.2, NM_001321484.2, NM_001321485.2); short protein forms V34fs.
Identifiers: ClinVar variation 2129014 (VCV002129014.4), dbSNP rs2513667196, ClinGen allele CA2580097319.
Genomic context (GRCh38, chr19:41,861,140, plus strand): 5'-GAATCGTGCTTTTCCCACTGTTTTGGTCTTAGGTCCGGGAAGCTGAAAGTCCCCGAATGG[GT>G]GGATACCGTCAAGCTGGCCAAGCACAAAGAGCTTGCTCCCTACGATGAGAACTGGTTCTA-3'

ClinVar aggregate classification (germline): Pathogenic (1 of 4 stars; one submission).

Conditions:
Diamond-Blackfan anemia. Also called: Blackfan Diamond syndrome; Aregenerative anemia chronic congenital; Red cell aplasia, pure hereditary; Congenital hypoplastic anemia; Aase syndrome. Identifiers: Orphanet 124, MedGen C1260899, MeSH D029503, MONDO:0015253, HP:0004810.

Submission:

Labcorp Genetics (formerly Invitae), Labcorp
Classification: Pathogenic for Diamond-Blackfan anemia. Last evaluated: 2022-04-21. Review status: criteria provided, single submitter. Criteria: Invitae Variant Classification Sherloc (09022015). Collection method: clinical testing. Allele origin: germline.
Comment: For these reasons, this variant has been classified as Pathogenic. This variant has not been reported in the literature in individuals affected with RPS19-related conditions. This variant is not present in population databases (gnomAD no frequency). This sequence change creates a premature translational stop signal (p.Val34Glyfs*42) in the RPS19 gene. It is expected to result in an absent or disrupted protein product. Loss-of-function variants in RPS19 are known to be pathogenic (PMID: 20960466).

Literature cited by the submitters: PubMed 20960466.